The following is an entry in ClinVar:

NM_003072.5(SMARCA4):c.3708G>A (p.Gln1236=)

Gene: SMARCA4 (SWI/SNF related BAF chromatin remodeling complex subunit ATPase 4; plus strand). Cytogenetic location: 19p13.2.
Variant type: single nucleotide variant.
Coding change: c.3708G>A on transcript NM_003072.5 (MANE Select); coding-DNA position 3708, G replaced by A.
Protein change: p.Gln1236=; no amino-acid change (glutamine 1236 retained).
Molecular consequence: synonymous variant. On other transcripts: non-coding transcript variant (1).
Genome position (GRCh38, 1-based): chr19:11,033,451, G>A. VCF-style: chr19-11033451-G-A. GRCh37 (hg19) VCF-style: chr19-11144127-G-A.
Other names: c.3708G>A, p.Gln1236= (NM_001128844.3, NM_001128845.2, NM_001128846.2 and 6 more transcripts).
Identifiers: ClinVar variation 1734160 (VCV001734160.10), dbSNP rs2146653293, ClinGen allele CA505743684.

ClinVar aggregate classification (germline): Likely benign. Review status: criteria provided, multiple submitters, no conflicts (2 of 4 stars). 2 submissions from 2 submitters: Likely benign (2). Last evaluated 2025-08-01.

Conditions:
Hereditary cancer-predisposing syndrome. Also called: Hereditary neoplastic syndrome; Tumor predisposition; Neoplastic Syndromes, Hereditary; Hereditary Cancer Syndrome. Identifiers: Orphanet 140162, MedGen C0027672, MeSH D009386, MONDO:0015356.

Submissions (2):

CeGaT Center for Human Genetics Tuebingen
Classification: Likely benign. Last evaluated: 2025-08-01. Review status: criteria provided, single submitter. Criteria: CeGaT Center For Human Genetics Tuebingen Variant Classification Criteria Version 2. Collection method: clinical testing. Allele origin: germline. Affected: yes. Observed: 1 variant allele.
Comment: SMARCA4: PM2:Supporting, BP4, BP7

Ambry Genetics
Classification: Likely benign for Hereditary cancer-predisposing syndrome. Last evaluated: 2021-07-26. Review status: criteria provided, single submitter. Criteria: Ambry Variant Classification Scheme 2023. Collection method: clinical testing. Allele origin: germline.